The following is an entry in ClinVar:

ClinVar aggregate classification (germline): Uncertain significance. Review status: criteria provided, multiple submitters, no conflicts (2 of 4 stars). 2 submissions from 2 submitters: Uncertain significance (2). Last evaluated 2025-09-29.

Conditions:
Neuroblastoma, susceptibility to, 3. Also called: ALK-Related Neuroblastic Tumor Susceptibility. Identifiers: Orphanet 635, MedGen C2751681, MONDO:0013083, OMIM 613014.
Hereditary cancer-predisposing syndrome. Also called: Hereditary Cancer Syndrome; Hereditary neoplastic syndrome; Neoplastic Syndromes, Hereditary; Tumor predisposition. Identifiers: Orphanet 140162, MedGen C0027672, MeSH D009386, MONDO:0015356.

Submissions (2):

Ambry Genetics
Classification: Uncertain significance for Hereditary cancer-predisposing syndrome. Last evaluated: 2025-09-29. Review status: criteria provided, single submitter. Criteria: Ambry Variant Classification Scheme 2023. Collection method: clinical testing. Allele origin: germline.
Comment: The p.R360S variant (also known as c.1080G>T), located in coding exon 4 of the ALK gene, results from a G to T substitution at nucleotide position 1080. The arginine at codon 360 is replaced by serine, an amino acid with dissimilar properties. This amino acid position is conserved. In addition, this alteration is predicted to be tolerated by in silico analysis. Based on the available evidence, the clinical significance of this variant remains unclear.

Labcorp Genetics (formerly Invitae), Labcorp
Classification: Uncertain significance for Neuroblastoma, susceptibility to, 3. Last evaluated: 2023-11-28. Review status: criteria provided, single submitter. Criteria: Invitae Variant Classification Sherloc (09022015). Collection method: clinical testing. Allele origin: germline.
Comment: This sequence change replaces arginine, which is basic and polar, with serine, which is neutral and polar, at codon 360 of the ALK protein (p.Arg360Ser). This variant is not present in population databases (gnomAD no frequency). This variant has not been reported in the literature in individuals affected with ALK-related conditions. An algorithm developed to predict the effect of missense changes on protein structure and function (PolyPhen-2) suggests that this variant is likely to be tolerated. In summary, the available evidence is currently insufficient to determine the role of this variant in disease. Therefore, it has been classified as a Variant of Uncertain Significance.

NM_004304.5(ALK):c.1080G>T (p.Arg360Ser)

Gene: ALK (ALK receptor tyrosine kinase; minus strand). Cytogenetic location: 2p23.2.
Variant type: single nucleotide variant.
Coding change: c.1080G>T on transcript NM_004304.5 (MANE Select); coding-DNA position 1080, G replaced by T.
Protein change: p.Arg360Ser; replaces arginine 360 with serine.
Molecular consequence: missense variant.
Genome position (GRCh38, 1-based): chr2:29,531,989, C>A on the plus strand (G>T on the coding strand, the complement: ALK is on the minus strand). VCF-style: chr2-29531989-C-A. GRCh37 (hg19) VCF-style: chr2-29754855-C-A.
Other names: c.1080G>T (NM_004304.4); short protein forms R360S.
Identifiers: ClinVar variation 2699391 (VCV002699391.4), dbSNP rs2465284282, ClinGen allele CA346587317.
Genomic context (GRCh38, chr2:29,531,989, plus strand): 5'-AGTGGGCATCAGGAGGATCTCTCTTGCAGCCTCGTTGTGGGGCAGCAGCTGGGCAATGTA[C>A]CTTCCAGAGGGCTGCAGGTGCCTGTGCACCGAGACGGCCAGTGTGCAGTGCTCACTGCTG-3'
Protein context (NP_004295.2, residues 350-370): SVHRHLQPSG[Arg360Ser]YIAQLLPHNE